The following is an entry in ClinVar:

NM_001377265.1(MAPT):c.235A>G (p.Ile79Val)

Gene: MAPT (microtubule associated protein tau). Cytogenetic location: 17q21.31.
Variant type: single nucleotide variant.
Coding change: c.235A>G on transcript NM_001377265.1 (MANE Select); coding-DNA position 235, A replaced by G.
Protein change: p.Ile79Val; replaces isoleucine 79 with valine.
Molecular consequence: missense variant. On other transcripts: non-coding transcript variant (1).
Genome position (GRCh38, 1-based): chr17:45,978,389, A>G. VCF-style: chr17-45978389-A-G. GRCh37 (hg19) VCF-style: chr17-44055755-A-G.
Other names: c.322A>G, p.Ile108Val (NM_001123066.4, NM_001203252.2, NM_005910.6 and 1 more transcripts); c.235A>G, p.Ile79Val (NM_001123067.4, NM_001203251.2, NM_001377266.1 and 1 more transcripts); c.148A>G, p.Ile50Val (NM_001377268.1, NM_016834.5, NM_016841.5); short protein forms I108V, I79V, I50V.
Identifiers: ClinVar variation 1432263 (VCV001432263.6), dbSNP rs2145574715, ClinGen allele CA399899360.

ClinVar aggregate classification (germline): Uncertain significance (1 of 4 stars; one submission).

Conditions:
Frontotemporal dementia (FTD1). Also called: MULTIPLE SYSTEM TAUOPATHY WITH PRESENILE DEMENTIA; WILHELMSEN-LYNCH DISEASE; FRONTOTEMPORAL LOBAR DEGENERATION WITH TAU INCLUSIONS; FTLD WITH TAU INCLUSIONS; Dementia, frontotemporal, with or without parkinsonism; Frontotemporal Dementia with Parkinsonism-17 (FTDP-17). Identifiers: Orphanet 282, MedGen C0338451, MONDO:0017276, OMIM 600274, HP:0002145.

Submission:

Labcorp Genetics (formerly Invitae), Labcorp
Classification: Uncertain significance for Frontotemporal dementia. Last evaluated: 2021-10-08. Review status: criteria provided, single submitter. Criteria: Invitae Variant Classification Sherloc (09022015). Collection method: clinical testing. Allele origin: germline.
Comment: This variant is not present in population databases (ExAC no frequency). This sequence change replaces isoleucine with valine at codon 108 of the MAPT protein (p.Ile108Val). The isoleucine residue is highly conserved and there is a small physicochemical difference between isoleucine and valine. This variant has not been reported in the literature in individuals with MAPT-related conditions. In summary, the available evidence is currently insufficient to determine the role of this variant in disease. Therefore, it has been classified as a Variant of Uncertain Significance. Algorithms developed to predict the effect of missense changes on protein structure and function output the following: SIFT: "Tolerated"; PolyPhen-2: "Benign"; Align-GVGD: "Class C0". The valine amino acid residue is found in multiple mammalian species, suggesting that this missense change does not adversely affect protein function. These predictions have not been confirmed by published functional studies and their clinical significance is uncertain.